The following is an entry in ClinVar:

ClinVar aggregate classification (germline): Likely benign. Review status: criteria provided, multiple submitters, no conflicts (2 of 4 stars). 3 submissions from 3 submitters: Likely benign (3). Last evaluated 2026-06-26.

Conditions:
MARS1-related disorder. Also called: MARS1-related condition.
Charcot-Marie-Tooth disease. Also called: Charcot-Marie-Tooth Neuropathy; Charcot-Marie-Tooth Hereditary Neuropathy. Identifiers: Orphanet 166, MedGen C0007959, MONDO:0015626.
Severe early-onset pulmonary alveolar proteinosis due to MARS deficiency. Also called: PULMONARY ALVEOLAR PROTEINOSIS, REUNION ISLAND; Interstitial lung and liver disease. Identifiers: Orphanet 440427, MedGen C4225400, MONDO:0014206, OMIM 615486.
Charcot-Marie-Tooth disease axonal type 2U. Also called: CHARCOT-MARIE-TOOTH NEUROPATHY, TYPE 2U; CHARCOT-MARIE-TOOTH DISEASE, AXONAL, AUTOSOMAL DOMINANT, TYPE 2U. Identifiers: Orphanet 397735, MedGen C4084821, MONDO:0014566, OMIM 616280.

Allele frequency attached by ClinVar (database versions not stated): gnomAD 0.00001 and 0.00002; gnomAD exomes 0.00002 and 0.00004; ExAC 0.00003; TOPMed 0.00003; ESP Exome Variant Server 0.00023.
gnomAD v4.1: 68 of 1,613,910 alleles (0.0042%); highest among the groups gnomAD compares: Non-Finnish European, 0.0055%; no homozygotes.

Submissions (3):

PreventionGenetics, part of Exact Sciences
Classification: Likely benign for MARS1-related condition. Last evaluated: 2026-06-26. Review status: criteria provided, single submitter. Criteria: ACMG Guidelines, 2015. Collection method: clinical testing. Allele origin: germline.
Comment: This variant is classified as likely benign based on ACMG/AMP sequence variant interpretation guidelines (Richards et al. 2015 PMID: 25741868, with internal and published modifications).

Labcorp Genetics (formerly Invitae), Labcorp
Classification: Likely benign for Charcot-Marie-Tooth disease axonal type 2U; Severe early-onset pulmonary alveolar proteinosis due to MARS deficiency. Last evaluated: 2024-10-10. Review status: criteria provided, single submitter. Criteria: Invitae Variant Classification Sherloc (09022015). Collection method: clinical testing. Allele origin: germline.

Molecular Genetics Laboratory, London Health Sciences Centre
Classification: Likely benign for Charcot-Marie-Tooth disease. Review status: criteria provided, single submitter. Criteria: ACMG Guidelines, 2015. Collection method: clinical testing. Allele origin: germline. Affected: yes.

NM_004990.4(MARS1):c.414+8G>A

Gene: MARS1 (methionyl-tRNA synthetase 1; plus strand). Cytogenetic location: 12q13.3.
Variant type: single nucleotide variant.
Coding change: c.414+8G>A on transcript NM_004990.4 (MANE Select); 8 bases into the intron after coding-DNA position 414, G replaced by A.
Molecular consequence: intron variant.
Genome position (GRCh38, 1-based): chr12:57,489,566, G>A. VCF-style: chr12-57489566-G-A. GRCh37 (hg19) VCF-style: chr12-57883349-G-A.
Identifiers: ClinVar variation 917133 (VCV000917133.9), dbSNP rs371003913, ClinGen allele CA6650157.